The following is an entry in ClinVar:

NM_000726.5(CACNB4):c.1020+16C>G

Gene: CACNB4 (calcium voltage-gated channel auxiliary subunit beta 4; minus strand). Cytogenetic location: 2q23.3.
Variant type: single nucleotide variant.
Coding change: c.1020+16C>G on transcript NM_000726.5 (MANE Select); 16 bases into the intron after coding-DNA position 1020, C replaced by G.
Molecular consequence: intron variant.
Genome position (GRCh38, 1-based): chr2:151,855,208, G>C on the plus strand (C>G on the coding strand, the complement: CACNB4 is on the minus strand). VCF-style: chr2-151855208-G-C. GRCh37 (hg19) VCF-style: chr2-152711722-G-C.
Other names: c.1020+16C>G (NM_001145798.2); c.777+16C>G (NM_001330113.2); c.966+16C>G (NM_001005746.4); c.729+16C>G (NM_001330115.2); c.918+16C>G (NM_001005747.4); c.690+16C>G (NM_001330116.2); c.366+16C>G (NM_001330114.2); c.879+16C>G (NM_001320722.3, NM_001330118.1); and 1 more.
Identifiers: ClinVar variation 382563 (VCV000382563.3), dbSNP rs778431925, ClinGen allele CA1912427.

ClinVar aggregate classification (germline): Likely benign. Review status: criteria provided, multiple submitters, no conflicts (2 of 4 stars). 3 submissions from 3 submitters: Likely benign (3). Last evaluated 2024-10-02.

Allele frequency attached by ClinVar (database versions not stated): gnomAD exomes 0.00002 and 0.00003; TOPMed 0.00002; ExAC 0.00003; gnomAD 0.00002.
gnomAD v4.1: 35 of 1,514,636 alleles (0.0023%); highest among the groups gnomAD compares: Non-Finnish European, 0.0028%; no homozygotes.

Submissions (3):

Blueprint Genetics
Classification: Likely benign. Last evaluated: 2024-10-02. Review status: criteria provided, single submitter. Criteria: ACMG Guidelines, 2015. Collection method: clinical testing. Allele origin: germline.

GeneDx
Classification: Likely benign. Last evaluated: 2016-01-04. Review status: criteria provided, single submitter. Criteria: GeneDx Variant Classification (06012015). Collection method: clinical testing. Allele origin: germline. Affected: yes.
Comment: This variant is considered likely benign or benign based on one or more of the following criteria: it is a conservative change, it occurs at a poorly conserved position in the protein, it is predicted to be benign by multiple in silico algorithms, and/or has population frequency not consistent with disease.

Breakthrough Genomics
Classification: Likely benign. Review status: criteria provided, single submitter. Criteria: ACMG Guidelines, 2015. Collection method: not provided. Allele origin: germline. Inheritance: Autosomal dominant inheritance. Affected: yes.